The following is an entry in ClinVar:

NM_031935.3(HMCN1):c.3111T>A (p.Tyr1037Ter)

Gene: HMCN1 (hemicentin 1; plus strand). Cytogenetic location: 1q31.1.
Variant type: single nucleotide variant.
Coding change: c.3111T>A on transcript NM_031935.3 (MANE Select); coding-DNA position 3111, T replaced by A.
Protein change: p.Tyr1037Ter; replaces tyrosine 1037 with a stop codon.
Molecular consequence: nonsense.
Genome position (GRCh38, 1-based): chr1:185,989,550, T>A. VCF-style: chr1-185989550-T-A. GRCh37 (hg19) VCF-style: chr1-185958682-T-A.
Other names: short protein forms Y1037*.
Identifiers: ClinVar variation 2033206 (VCV002033206.4), dbSNP rs2102025339, ClinGen allele CA343892329.
Genomic context (GRCh38, chr1:185,989,550, plus strand): 5'-AGGAGAGCTGATTTCAACCAGCAGTGCTAAGTTTTCAGCAGGAGCTGATGGTAGTCTGTA[T>A]GTGGTATCACCTGGAGGAGAGGAGAGTGGGGAGTATGTCTGCACTGCCACCAATACAGCC-3'

ClinVar aggregate classification (germline): Uncertain significance (1 of 4 stars; one submission).

Submission:

Labcorp Genetics (formerly Invitae), Labcorp
Classification: Uncertain significance. Last evaluated: 2022-09-28. Review status: criteria provided, single submitter. Criteria: Invitae Variant Classification Sherloc (09022015). Collection method: clinical testing. Allele origin: germline.
Comment: In summary, the available evidence is currently insufficient to determine the role of this variant in disease. Therefore, it has been classified as a Variant of Uncertain Significance. This variant has not been reported in the literature in individuals affected with HMCN1-related conditions. This variant is not present in population databases (gnomAD no frequency). This sequence change creates a premature translational stop signal (p.Tyr1037*) in the HMCN1 gene. It is expected to result in an absent or disrupted protein product. However, the current clinical and genetic evidence is not sufficient to establish whether loss-of-function variants in HMCN1 cause disease.